The following is an entry in ClinVar:

ClinVar aggregate classification (germline): Uncertain significance (1 of 4 stars; one submission).

gnomAD v4.1: 1 of 765,266 alleles (0.00013%); highest among the groups gnomAD compares: Admixed American, 0.0017%; no homozygotes.

Submission:

Genetic Services Laboratory, University of Chicago
Classification: Uncertain significance. Last evaluated: 2023-03-30. Review status: criteria provided, single submitter. Criteria: ACMG Guidelines, 2015. Collection method: clinical testing. Allele origin: germline. Affected: no.
Comment: DNA sequence analysis of the TERC gene demonstrated a sequence change, n.36C>G. This change does not appear to have been previously described in individuals with TERC-related disorders; however a different nucleotide substitution at the same positon (n.36C>T) has been reported in individuals with aplastic anemia (PMID: 29146883, 21931702). The n.36C>G sequence change has been described in the gnomAD database with a global frequency of 0.0004% (1 individual) (dbSNP rs1248582778). This sequence change is not predicted to have a deleterious effect on splicing based on in-silico splice prediction programs. The functional significance of this sequence change is not known at present and its contribution to this individual's disease phenotype cannot definitively be determined.

NR_001566.3(TERC):n.36C>G

Genes: TERC (telomerase RNA component; minus strand), LOC110806306 (telomerase RNA component (TERC) promoter; plus strand). Cytogenetic location: 3q26.2.
Variant type: single nucleotide variant.
Molecular consequence: non-coding transcript variant (on NR_001566.3).
Genome position: GRCh38 VCF-style: chr3-169765025-G-C. GRCh37 (hg19) VCF-style: chr3-169482813-G-C.
Identifiers: ClinVar variation 4082523 (VCV004082523.2).